The following is an entry in ClinVar:

NM_001013838.3(CARMIL2):c.1974G>A (p.Ala658=)

Gene: CARMIL2 (capping protein regulator and myosin 1 linker 2; plus strand). Cytogenetic location: 16q22.1.
Variant type: single nucleotide variant.
Coding change: c.1974G>A on transcript NM_001013838.3 (MANE Select); coding-DNA position 1974, G replaced by A.
Protein change: p.Ala658=; no amino-acid change (alanine 658 retained).
Molecular consequence: synonymous variant.
Genome position (GRCh38, 1-based): chr16:67,649,860, G>A. VCF-style: chr16-67649860-G-A. GRCh37 (hg19) VCF-style: chr16-67683763-G-A.
Other names: c.1866G>A, p.Ala622= (NM_001317026.3).
Identifiers: ClinVar variation 2197588 (VCV002197588.26), dbSNP rs368608682, ClinGen allele CA8113631.
Genomic context (GRCh38, chr16:67,649,860, plus strand): 5'-GCCCAGGTCTGTGGTCTGGGACCGGAACCACACATCTGCTTTGGGTCTGCTGGACGTGGC[G>A]CAGGCGCTGGAGCAGAACCACAGCCTGAAGGCCATGCCTCTGCCACTGAACGACGTGGCC-3'
Protein context (NP_001013860.1, residues 648-668): HTSALGLLDV[Ala658=]QALEQNHSLK

ClinVar aggregate classification (germline): Likely benign. Review status: criteria provided, multiple submitters, no conflicts (2 of 4 stars). 3 submissions from 3 submitters: Likely benign (3). Last evaluated 2026-01-30.

Allele frequency attached by ClinVar (database versions not stated): gnomAD exomes 0.00002; ESP Exome Variant Server 0.00008; ExAC 0.00010; TOPMed 0.00011; gnomAD 0.00013; 1000 Genomes Project 30x 0.00016; 1000 Genomes Project 0.00020.
gnomAD v4.1: 58 of 1,612,832 alleles (0.0036%); highest among the groups gnomAD compares: African/African-American, 0.023%; no homozygotes.

Submissions (3):

Labcorp Genetics (formerly Invitae), Labcorp
Classification: Likely benign. Last evaluated: 2026-01-30. Review status: criteria provided, single submitter. Criteria: Invitae Variant Classification Sherloc (09022015). Collection method: clinical testing. Allele origin: germline.

Blueprint Genetics
Classification: Likely benign. Last evaluated: 2024-11-04. Review status: criteria provided, single submitter. Criteria: ACMG Guidelines, 2015. Collection method: clinical testing. Allele origin: germline.

CeGaT Center for Human Genetics Tuebingen
Classification: Likely benign. Last evaluated: 2024-03-01. Review status: criteria provided, single submitter. Criteria: CeGaT Center For Human Genetics Tuebingen Variant Classification Criteria Version 2. Collection method: clinical testing. Allele origin: germline. Affected: yes. Observed: 1 variant allele.
Comment: CARMIL2: BP4, BP7